The following is an entry in ClinVar:

NM_001375524.1(TRRAP):c.2812C>T (p.Pro938Ser)

Gene: TRRAP (transformation/transcription domain associated protein; plus strand). Cytogenetic location: 7q22.1.
Variant type: single nucleotide variant.
Coding change: c.2812C>T on transcript NM_001375524.1 (MANE Select); coding-DNA position 2812, C replaced by T.
Protein change: p.Pro938Ser; replaces proline 938 with serine.
Molecular consequence: missense variant.
Genome position (GRCh38, 1-based): chr7:98,921,942, C>T. VCF-style: chr7-98921942-C-T. GRCh37 (hg19) VCF-style: chr7-98519565-C-T.
Other names: c.2812C>T, p.Pro938Ser (NM_001244580.2, NM_003496.4); short protein forms P938S.
Identifiers: ClinVar variation 4983856 (VCV004983856.1).

ClinVar aggregate classification (germline): Uncertain significance (1 of 4 stars; one submission).

Conditions:
TRRAP-related disorder. Also called: TRRAP-related condition.

gnomAD v4.1: 6 of 1,614,204 alleles (0.00037%); highest among the groups gnomAD compares: African/African-American, 0.0013%; no homozygotes.

Submission:

PreventionGenetics, part of Exact Sciences
Classification: Uncertain significance for TRRAP-related condition. Last evaluated: 2025-05-22. Review status: criteria provided, single submitter. Criteria: ACMG Guidelines, 2015. Collection method: clinical testing. Allele origin: germline.
Comment: The TRRAP c.2812C>T variant is predicted to result in the amino acid substitution p.Pro938Ser. To our knowledge, this variant has not been reported in the literature or in a large population database (gnomAD), indicating this variant is rare. At this time, the clinical significance of this variant is uncertain due to the absence of conclusive functional and genetic evidence.